The following is an entry in ClinVar:

NM_000038.6(APC):c.3562C>A (p.Pro1188Thr)

Gene: APC (APC regulator of Wnt signaling pathway; plus strand). Cytogenetic location: 5q22.2.
Variant type: single nucleotide variant.
Coding change: c.3562C>A on transcript NM_000038.6 (MANE Select); coding-DNA position 3562, C replaced by A.
Protein change: p.Pro1188Thr; replaces proline 1188 with threonine.
Molecular consequence: missense variant.
Genome position (GRCh38, 1-based): chr5:112,839,156, C>A. VCF-style: chr5-112839156-C-A. GRCh37 (hg19) VCF-style: chr5-112174853-C-A.
Other names: c.3562C>A, p.Pro1188Thr (NM_001127510.3, NM_001354895.2); c.3508C>A, p.Pro1170Thr (NM_001127511.3); c.3616C>A, p.Pro1206Thr (NM_001354896.2); c.3592C>A, p.Pro1198Thr (NM_001354897.2); c.3487C>A, p.Pro1163Thr (NM_001354898.2); c.3478C>A, p.Pro1160Thr (NM_001354899.2); c.3439C>A, p.Pro1147Thr (NM_001354900.2); c.3385C>A, p.Pro1129Thr (NM_001354901.2); and 5 more; short protein forms P1188T, P1170T, P1028T, P1062T, P905T, P1097T, P1147T, P1160T.
Identifiers: ClinVar variation 469926 (VCV000469926.53), dbSNP rs1554085113, ClinGen allele CA16029158.

ClinVar aggregate classification (germline): Uncertain significance. Review status: criteria provided, multiple submitters, no conflicts (2 of 4 stars). 2 submissions from 2 submitters: Uncertain significance (2). Last evaluated 2025-10-08.

Conditions:
Hereditary cancer-predisposing syndrome. Also called: Hereditary neoplastic syndrome; Neoplastic Syndromes, Hereditary; Tumor predisposition; Hereditary Cancer Syndrome. Identifiers: Orphanet 140162, MedGen C0027672, MeSH D009386, MONDO:0015356.
Familial adenomatous polyposis 1 (FAP1). Also called: POLYPOSIS, ADENOMATOUS INTESTINAL; FAMILIAL ADENOMATOUS POLYPOSIS 1, ATTENUATED. Identifiers: MedGen C2713442, MONDO:0021056, OMIM 175100. Disease mechanism: loss of function.

Submissions (2):

Ambry Genetics
Classification: Uncertain significance for Hereditary cancer-predisposing syndrome. Last evaluated: 2025-10-08. Review status: criteria provided, single submitter. Criteria: Ambry Variant Classification Scheme 2023. Collection method: clinical testing. Allele origin: germline.
Comment: The p.P1188T variant (also known as c.3562C>A), located in coding exon 15 of the APC gene, results from a C to A substitution at nucleotide position 3562. The proline at codon 1188 is replaced by threonine, an amino acid with highly similar properties. This amino acid position is not well conserved in available vertebrate species. In addition, in silico predictors for this gene do not accurately predict pathogenicity. Since supporting evidence is limited at this time, the clinical significance of this alteration remains unclear.

Labcorp Genetics (formerly Invitae), Labcorp
Classification: Uncertain significance for Familial adenomatous polyposis 1. Last evaluated: 2022-03-11. Review status: criteria provided, single submitter. Criteria: Invitae Variant Classification Sherloc (09022015). Collection method: clinical testing. Allele origin: germline.
Comment: This sequence change replaces proline, which is neutral and non-polar, with threonine, which is neutral and polar, at codon 1188 of the APC protein (p.Pro1188Thr). This variant is not present in population databases (gnomAD no frequency). Algorithms developed to predict the effect of missense changes on protein structure and function output the following: SIFT: "Tolerated"; PolyPhen-2: "Benign"; Align-GVGD: "Class C0". The threonine amino acid residue is found in multiple mammalian species, which suggests that this missense change does not adversely affect protein function. In summary, the available evidence is currently insufficient to determine the role of this variant in disease. Therefore, it has been classified as a Variant of Uncertain Significance. This variant has not been reported in the literature in individuals affected with APC-related conditions. ClinVar contains an entry for this variant (Variation ID: 469926).